The following is an entry in ClinVar:

NM_025099.6(CTC1):c.1625G>C (p.Arg542Pro)

Gene: CTC1 (CST telomere replication complex component 1; minus strand). Cytogenetic location: 17p13.1.
Variant type: single nucleotide variant.
Coding change: c.1625G>C on transcript NM_025099.6 (MANE Select); coding-DNA position 1625, G replaced by C.
Protein change: p.Arg542Pro; replaces arginine 542 with proline.
Molecular consequence: missense variant. On other transcripts: non-coding transcript variant (1).
Genome position (GRCh38, 1-based): chr17:8,234,648, C>G on the plus strand (G>C on the coding strand, the complement: CTC1 is on the minus strand). VCF-style: chr17-8234648-C-G. GRCh37 (hg19) VCF-style: chr17-8137966-C-G.
Other names: c.1625G>C, p.Arg542Pro (NM_001411067.1); short protein forms R542P.
Identifiers: ClinVar variation 2119923 (VCV002119923.4), dbSNP rs776684484, ClinGen allele CA397983419.

ClinVar aggregate classification (germline): Uncertain significance (1 of 4 stars; one submission).

Conditions:
Dyskeratosis congenita. Identifiers: Orphanet 1775, MedGen C0265965, MONDO:0015780.

Submission:

Labcorp Genetics (formerly Invitae), Labcorp
Classification: Uncertain significance for Dyskeratosis congenita. Last evaluated: 2022-03-31. Review status: criteria provided, single submitter. Criteria: Invitae Variant Classification Sherloc (09022015). Collection method: clinical testing. Allele origin: germline.
Comment: In summary, the available evidence is currently insufficient to determine the role of this variant in disease. Therefore, it has been classified as a Variant of Uncertain Significance. Algorithms developed to predict the effect of missense changes on protein structure and function output the following: SIFT: "Tolerated"; PolyPhen-2: "Benign"; Align-GVGD: "Class C0". The proline amino acid residue is found in multiple mammalian species, which suggests that this missense change does not adversely affect protein function. This variant has not been reported in the literature in individuals affected with CTC1-related conditions. This variant is not present in population databases (gnomAD no frequency). This sequence change replaces arginine, which is basic and polar, with proline, which is neutral and non-polar, at codon 542 of the CTC1 protein (p.Arg542Pro).